The following is an entry in ClinVar:

ClinVar aggregate classification (germline): Pathogenic/Likely pathogenic. Review status: criteria provided, multiple submitters, no conflicts (2 of 4 stars). 2 submissions from 2 submitters: Pathogenic (1); Likely pathogenic (1). Last evaluated 2024-01-01.

Conditions:
Wilson disease (WND). Also called: Wilson's disease. Identifiers: Orphanet 905, MedGen C0019202, MONDO:0010200, OMIM 277900. Disease mechanism: loss of function.

Submissions (2):

Chongqing Key Laboratory of Child Rare Diseases in Infection and Immunity, Children’s Hospital of Chongqing Medical University
Classification: Pathogenic for Wilson disease. Last evaluated: 2024-01-01. Review status: criteria provided, single submitter. Criteria: ACMG Guidelines, 2015. Collection method: clinical testing. Allele origin: germline. Inheritance: Autosomal recessive inheritance. Affected: yes.
Comment: Classified as Pathogenic according to the ACMG/AMP 2015 guidelines (PMID:25741868). The classification was based on the available submitted evidence for Wilson disease (OMIM:277900), including clinical-testing observations, variant consequence/protein annotation, and published or ClinVar evidence where available. Supporting information considered: variant annotation: p.Gly1335_Ile1336insLeuTer; Nonsense; Protein domain: Core (post-N); submitted notation: NM_000053.4:c.4005_4006insTTATAATGGGTTGGG (p.Gly1335_Ile1336insLeuTer); source variant type: Nonsense; source domain: Core (post-N); allele count n=230: 2.

Juno Genomics, Hangzhou Juno Genomics, Inc
Classification: Likely pathogenic for Wilson disease. Review status: criteria provided, single submitter. Criteria: ACMG Guidelines, 2015. Collection method: clinical testing. Allele origin: germline.
Comment: Null variant in a gene where loss of function (LOF) is a known mechanism of disease.;Absent from controls (or at extremely low frequency if recessive) in Genome Aggregation Database.

NM_000053.4(ATP7B):c.4005_4006insTTATAATGGGTTGGG (p.Ile1336delinsLeuTer)

Gene: ATP7B (ATPase copper transporting beta; minus strand). Cytogenetic location: 13q14.3.
Variant type: Insertion.
Coding change: c.4005_4006insTTATAATGGGTTGGG on transcript NM_000053.4 (MANE Select); coding-DNA positions 4005 to 4006, TTATAATGGGTTGGG inserted.
Protein change: p.Ile1336delinsLeuTer.
Molecular consequence: nonsense.
Genome position: GRCh38 VCF-style: chr13-51937291-T-TCCCAACCCATTATAA. GRCh37 (hg19) VCF-style: chr13-52511427-T-TCCCAACCCATTATAA.
Other names: c.3384_3385insTTATAATGGGTTGGG, p.Ile1129delinsLeuTer (NM_001005918.3); c.3672_3673insTTATAATGGGTTGGG, p.Ile1225delinsLeuTer (NM_001243182.2); c.3771_3772insTTATAATGGGTTGGG, p.Ile1258delinsLeuTer (NM_001330578.2, NM_001406527.1, NM_001406528.1); c.3810_3811insTTATAATGGGTTGGG, p.Ile1271delinsLeuTer (NM_001406525.1); c.3801_3802insTTATAATGGGTTGGG, p.Ile1268delinsLeuTer (NM_001406526.1); c.3765_3766insTTATAATGGGTTGGG, p.Ile1256delinsLeuTer (NM_001406530.1); c.3753_3754insTTATAATGGGTTGGG, p.Ile1252delinsLeuTer (NM_001406531.1, NM_001406532.1, NM_001330579.2); c.3717_3718insTTATAATGGGTTGGG, p.Ile1240delinsLeuTer (NM_001406534.1); and 21 more.
Identifiers: ClinVar variation 4852545 (VCV004852545.3).